The following is an entry in ClinVar:

NM_052876.4(NACC1):c.190A>T (p.Ser64Cys)

Gene: NACC1 (nucleus accumbens associated 1; plus strand). Cytogenetic location: 19p13.13.
Variant type: single nucleotide variant.
Coding change: c.190A>T on transcript NM_052876.4 (MANE Select); coding-DNA position 190, A replaced by T.
Protein change: p.Ser64Cys; replaces serine 64 with cysteine.
Molecular consequence: missense variant.
Genome position (GRCh38, 1-based): chr19:13,135,397, A>T. VCF-style: chr19-13135397-A-T. GRCh37 (hg19) VCF-style: chr19-13246211-A-T.
Other names: short protein forms S64C.
Identifiers: ClinVar variation 5039589 (VCV005039589.1).

ClinVar aggregate classification (germline): Uncertain significance (1 of 4 stars; one submission).

Submission:

CeGaT Center for Human Genetics Tuebingen
Classification: Uncertain significance. Last evaluated: 2026-08-01. Review status: criteria provided, single submitter. Criteria: CeGaT Center For Human Genetics Tuebingen Variant Classification Criteria Version 2. Collection method: clinical testing. Allele origin: germline. Affected: yes. Observed: 1 variant allele.
Comment: NACC1: PM2, PP2, BP4